The following is an entry in ClinVar:

ClinVar aggregate classification (germline): Uncertain significance (1 of 4 stars; one submission).

Submission:

Labcorp Genetics (formerly Invitae), Labcorp
Classification: Uncertain significance. Last evaluated: 2025-05-18. Review status: criteria provided, single submitter. Criteria: Invitae Variant Classification Sherloc (09022015). Collection method: clinical testing. Allele origin: germline.
Comment: This sequence change replaces histidine, which is basic and polar, with arginine, which is basic and polar, at codon 1581 of the ARID1A protein (p.His1581Arg). This variant is not present in population databases (gnomAD no frequency). This variant has not been reported in the literature in individuals affected with ARID1A-related conditions. Invitae Evidence Modeling of protein sequence and biophysical properties (such as structural, functional, and spatial information, amino acid conservation, physicochemical variation, residue mobility, and thermodynamic stability) indicates that this missense variant is expected to disrupt ARID1A protein function with a positive predictive value of 80%. In summary, the available evidence is currently insufficient to determine the role of this variant in disease. Therefore, it has been classified as a Variant of Uncertain Significance.

NM_006015.6(ARID1A):c.4742A>G (p.His1581Arg)

Gene: ARID1A (AT-rich interaction domain 1A; plus strand). Cytogenetic location: 1p36.11.
Variant type: single nucleotide variant.
Coding change: c.4742A>G on transcript NM_006015.6 (MANE Select); coding-DNA position 4742, A replaced by G.
Protein change: p.His1581Arg; replaces histidine 1581 with arginine.
Molecular consequence: missense variant. On other transcripts: intron variant (1).
Genome position (GRCh38, 1-based): chr1:26,774,969, A>G. VCF-style: chr1-26774969-A-G. GRCh37 (hg19) VCF-style: chr1-27101460-A-G.
Other names: c.4102-11A>G (NM_139135.4); short protein forms H1581R.
Identifiers: ClinVar variation 4773917 (VCV004773917.1).
Genomic context (GRCh38, chr1:26,774,969, plus strand): 5'-TGCCCCCCATGACAAGGCCCCCTCCATCTAACTACCAGCCCCCACCAAGCATGCAGAATC[A>G]CATTCCTCAGGTATCCAGCCCTGCTCCCCTGCCCCGGCCAATGGAGAACCGCACCTCTCC-3'
Protein context (NP_006006.3, residues 1571-1591): NYQPPPSMQN[His1581Arg]IPQVSSPAPL